The following is an entry in ClinVar:

ClinVar aggregate classification (germline): Uncertain significance (1 of 4 stars; one submission).

Allele frequency attached by ClinVar (database versions not stated): gnomAD exomes below 0.00001; TOPMed below 0.00001; gnomAD 0.00001; ExAC 0.00002.
gnomAD v4.1: 6 of 1,585,028 alleles (0.00038%); highest among the groups gnomAD compares: East Asian, 0.0023%; no homozygotes.

Submission:

Labcorp Genetics (formerly Invitae), Labcorp
Classification: Uncertain significance. Last evaluated: 2023-04-09. Review status: criteria provided, single submitter. Criteria: Invitae Variant Classification Sherloc (09022015). Collection method: clinical testing. Allele origin: germline.
Comment: In summary, the available evidence is currently insufficient to determine the role of this variant in disease. Therefore, it has been classified as a Variant of Uncertain Significance. Variants that disrupt the consensus splice site are a relatively common cause of aberrant splicing (PMID: 17576681, 9536098). Algorithms developed to predict the effect of sequence changes on RNA splicing suggest that this variant may disrupt the consensus splice site. This variant has not been reported in the literature in individuals affected with TONSL-related conditions. This variant is present in population databases (rs777083233, gnomAD 0.007%). This sequence change falls in intron 10 of the TONSL gene. It does not directly change the encoded amino acid sequence of the TONSL protein. It affects a nucleotide within the consensus splice site.

Literature cited by the submitters: PubMed 17576681; PubMed 9536098.

NM_013432.5(TONSL):c.1290+3G>A

Gene: TONSL (tonsoku like, DNA repair protein; minus strand). Cytogenetic location: 8q24.3.
Variant type: single nucleotide variant.
Coding change: c.1290+3G>A on transcript NM_013432.5 (MANE Select); 3 bases into the intron after coding-DNA position 1290, G replaced by A.
Molecular consequence: intron variant.
Genome position (GRCh38, 1-based): chr8:144,440,348, C>T on the plus strand (G>A on the coding strand, the complement: TONSL is on the minus strand). VCF-style: chr8-144440348-C-T. GRCh37 (hg19) VCF-style: chr8-145665731-C-T.
Identifiers: ClinVar variation 2853771 (VCV002853771.3), dbSNP rs777083233, ClinGen allele CA4943310.
Genomic context (GRCh38, chr8:144,440,348, plus strand): 5'-AGGCAGGCTGCAACGAAGCTGGGCTCACCGGGGAGCCAGTATGGGTGGGATGGGCTCTCG[C>T]ACCTGCAGCTGGGGACGCTGGGCCTGCTGGGCACAGCTGAGCGCTTTCTGGAAGCACGGG-3'